The following is an entry in ClinVar:

ClinVar aggregate classification (germline): Conflicting classifications of pathogenicity. Review status: criteria provided, conflicting classifications (1 of 4 stars). 13 submissions from 9 submitters: Uncertain significance (3); Benign (3); Likely benign (6). 1 of the submissions does not count toward it. Last evaluated 2025-12-29.

Conditions:
TTN-related disorder. Also called: TTN-related condition; TTN-related disease; TTN-related disorders.
Cardiovascular phenotype. Identifiers: MedGen CN230736.
Autosomal recessive limb-girdle muscular dystrophy type 2J (LGMDR10). Also called: MUSCULAR DYSTROPHY, LIMB-GIRDLE, AUTOSOMAL RECESSIVE 10; Limb-girdle muscular dystrophy, type 2J. Identifiers: Orphanet 140922, MedGen C1837342, MONDO:0012127, OMIM 608807.
Dilated cardiomyopathy 1G (CMD1G). Identifiers: Orphanet 154, MedGen C1858763, MONDO:0011400, OMIM 604145.
Myopathy, myofibrillar, 9, with early respiratory failure (MFM9). Also called: Hereditary myopathy with early respiratory failure; EDSTROM MYOPATHY; MYOPATHY, PROXIMAL, WITH EARLY RESPIRATORY MUSCLE INVOLVEMENT; Myopathy, distal, with early respiratory failure, autosomal dominant. Identifiers: Orphanet 178464, Orphanet 34521, MedGen C1863599, MONDO:0011362, OMIM 603689.
Tibial muscular dystrophy (TMD). Also called: Tibial muscular dystrophy, tardive; UDD MYOPATHY; Udd Distal Myopathy – Tibial Muscular Dystrophy. Identifiers: Orphanet 609, MedGen C1838244, MONDO:0010870, OMIM 600334.
Early-onset myopathy with fatal cardiomyopathy (CMYO5). Also called: CONGENITAL MYOPATHY 5 WITH CARDIOMYOPATHY; Salih Myopathy. Identifiers: Orphanet 289377, MedGen C2673677, MONDO:0012714, OMIM 611705. Disease mechanism: loss of function.

Allele frequency attached by ClinVar (database versions not stated): gnomAD 0.00012 and 0.00014; TOPMed 0.00019; gnomAD exomes 0.00020 and 0.00019; ExAC 0.00023; 1000 Genomes Project 30x 0.00062; 1000 Genomes Project 0.00080; ESP Exome Variant Server 0.00017.
gnomAD v4.1: 293 of 1,613,166 alleles (0.018%); highest among the groups gnomAD compares: East Asian, 0.53%; 2 homozygotes.

Submissions (13):

Labcorp Genetics (formerly Invitae), Labcorp
Classification: Likely benign for Dilated cardiomyopathy 1G; Autosomal recessive limb-girdle muscular dystrophy type 2J. Last evaluated: 2025-12-29. Review status: criteria provided, single submitter. Criteria: Invitae Variant Classification Sherloc (09022015). Collection method: clinical testing. Allele origin: germline.

Mayo Clinic Laboratories, Mayo Clinic
Classification: Likely benign. Last evaluated: 2025-09-26. Review status: criteria provided, single submitter. Criteria: ACMG Guidelines, 2015. Collection method: clinical testing. Allele origin: germline. Observed: 1 variant allele.
Comment: BS1, BS2_supporting

Blueprint Genetics
Classification: Likely benign. Last evaluated: 2024-02-12. Review status: criteria provided, single submitter. Criteria: ACMG Guidelines, 2015. Collection method: clinical testing. Allele origin: germline.

Women's Health and Genetics/Laboratory Corporation of America, LabCorp
Classification: Likely benign. Last evaluated: 2023-12-04. Review status: criteria provided, single submitter. Criteria: LabCorp Variant Classification Summary - May 2015. Collection method: clinical testing. Allele origin: germline.
Comment: Variant summary: TTN c.77947C>A (p.Pro25983Thr) results in a non-conservative amino acid change located in the A band region of the encoded protein sequence. Four of four in-silico tools predict a damaging effect of the variant on protein function. The variant allele was found at a frequency of 0.0002 in 247720 control chromosomes, predominantly at a frequency of 0.0022 within the East Asian subpopulation in the gnomAD database. The observed variant frequency within East Asian control individuals in the gnomAD database is approximately 6 fold of the estimated maximal expected allele frequency for a pathogenic variant in TTN causing Dilated Cardiomyopathy phenotype (0.00039), strongly suggesting that the variant is a benign polymorphism found primarily in populations of East Asian origin. c.77947C>A has been reported in the literature in hypertrophic cardiomyopathy cohort studies, however authors classified the variant as VUS or benign (examples: Hata_2019 and Yeh_2019). These report(s) do not provide unequivocal conclusions about association of the variant with Dilated Cardiomyopathy. To our knowledge, no experimental evidence demonstrating an impact on protein function has been reported. The following publications have been ascertained in the context of this evaluation (PMID: 30959811, 31879508). Five submitters have cited clinical-significance assessments for this variant to ClinVar after 2014 and classified the variant as benign/likely benign (n=4) and VUS (n=1). Based on the evidence outlined above, the variant was classified as likely benign.

Ambry Genetics
Classification: Benign for Cardiovascular phenotype. Last evaluated: 2020-04-27. Review status: criteria provided, single submitter. Criteria: Ambry Variant Classification Scheme 2023. Collection method: clinical testing. Allele origin: germline.

GeneDx
Classification: Likely benign. Last evaluated: 2018-02-09. Review status: criteria provided, single submitter. Criteria: GeneDx Variant Classification (06012015). Collection method: clinical testing. Allele origin: germline. Affected: yes.
Comment: This variant is considered likely benign or benign based on one or more of the following criteria: it is a conservative change, it occurs at a poorly conserved position in the protein, it is predicted to be benign by multiple in silico algorithms, and/or has population frequency not consistent with disease.

Illumina Laboratory Services, Illumina
Classification: Uncertain significance for Early-onset myopathy with fatal cardiomyopathy. Last evaluated: 2018-01-13. Review status: criteria provided, single submitter. Criteria: ICSL Variant Classification Criteria 13 December 2019. Collection method: clinical testing. Allele origin: germline.

Illumina Laboratory Services, Illumina
Classification: Uncertain significance for Autosomal recessive limb-girdle muscular dystrophy type 2J. Last evaluated: 2018-01-13. Review status: criteria provided, single submitter. Criteria: ICSL Variant Classification Criteria 13 December 2019. Collection method: clinical testing. Allele origin: germline.

Illumina Laboratory Services, Illumina
Classification: Benign for Myopathy, myofibrillar, 9, with early respiratory failure. Last evaluated: 2018-01-13. Review status: criteria provided, single submitter. Criteria: ICSL Variant Classification Criteria 13 December 2019. Collection method: clinical testing. Allele origin: germline.
Comment: This variant was observed in the ICSL laboratory as part of a predisposition screen in an ostensibly healthy population. It had not been previously curated by ICSL or reported in the Human Gene Mutation Database (HGMD: prior to June 1st, 2018), and was therefore a candidate for classification through an automated scoring system. Utilizing variant allele frequency, disease prevalence and penetrance estimates, and inheritance mode, an automated score was calculated to assess if this variant is too frequent to cause the disease. Based on the score and internal cut-off values, a variant classified as benign is not then subjected to further curation. The score for this variant resulted in a classification of benign for this disease.

Illumina Laboratory Services, Illumina
Classification: Benign for Tibial muscular dystrophy. Last evaluated: 2018-01-13. Review status: criteria provided, single submitter. Criteria: ICSL Variant Classification Criteria 13 December 2019. Collection method: clinical testing. Allele origin: germline.
Comment: the same text as in the submission from Illumina Laboratory Services, Illumina above.

Illumina Laboratory Services, Illumina
Classification: Uncertain significance for Dilated cardiomyopathy 1G. Last evaluated: 2018-01-13. Review status: criteria provided, single submitter. Criteria: ICSL Variant Classification Criteria 13 December 2019. Collection method: clinical testing. Allele origin: germline.

Biesecker Lab/Clinical Genomics Section, National Institutes of Health
Classification: Likely benign. Last evaluated: 2013-06-24. Review status: criteria provided, single submitter. Criteria: Ng et al. (Circ Cardiovasc Genet. 2013). Collection method: research. Allele origin: unknown. Observed: 2 variant alleles. Study: ClinSeq.
Comment: The study set was not selected for affection status in relation to any cancer. Pathogenicity categories were based on literature curation. See Pubmed ID:23861362 for details.

Medical sequencing

PreventionGenetics, part of Exact Sciences
Classification: Likely benign for TTN-related condition. Last evaluated: 2024-05-20. Review status: no assertion criteria provided. Collection method: clinical testing. Allele origin: germline. Not counted in ClinVar's aggregate classification.
Comment: This variant is classified as likely benign based on ACMG/AMP sequence variant interpretation guidelines (Richards et al. 2015 PMID: 25741868, with internal and published modifications).

Literature cited by the submitters: PubMed 30959811 (cited by Women's Health and Genetics/Laboratory Corporation of America, LabCorp); PubMed 31879508 (cited by Women's Health and Genetics/Laboratory Corporation of America, LabCorp).

NM_001267550.2(TTN):c.85651C>A (p.Pro28551Thr)

Genes: TTN (titin; minus strand), TTN-AS1 (TTN antisense RNA 1; plus strand). Cytogenetic location: 2q31.2.
Variant type: single nucleotide variant.
Coding change: c.85651C>A on transcript NM_001267550.2 (MANE Select); coding-DNA position 85651, C replaced by A.
Protein change: p.Pro28551Thr; replaces proline 28551 with threonine.
Molecular consequence: missense variant.
Genome position (GRCh38, 1-based): chr2:178,560,481, G>T on the plus strand (C>A on the coding strand, the complement: TTN is on the minus strand). VCF-style: chr2-178560481-G-T. GRCh37 (hg19) VCF-style: chr2-179425208-G-T.
Other names: p.Pro26910Thr; c.80728C>A, p.Pro26910Thr (NM_001256850.1); c.58456C>A, p.Pro19486Thr (NM_003319.4); c.77947C>A, p.Pro25983Thr (NM_133378.4); c.58831C>A, p.Pro19611Thr (NM_133432.3); c.59032C>A, p.Pro19678Thr (NM_133437.4); short protein forms P25983T, P28551T, P26910T, P19486T, P19611T, P19678T.
Identifiers: ClinVar variation 192149 (VCV000192149.31), dbSNP rs142478636, ClinGen allele CA238468.